The following is an entry in ClinVar:

ClinVar aggregate classification (germline): Uncertain significance (1 of 4 stars; one submission).

Conditions:
Epileptic encephalopathy. Identifiers: MedGen C0543888, HP:0200134.

Allele frequency attached by ClinVar (database versions not stated): TOPMed below 0.00001; gnomAD 0.00001; gnomAD exomes 0.00001.
gnomAD v4.1: 18 of 1,612,920 alleles (0.0011%); highest among the groups gnomAD compares: Middle Eastern, 0.033%; no homozygotes.

Submission:

Labcorp Genetics (formerly Invitae), Labcorp
Classification: Uncertain significance for Epileptic encephalopathy. Last evaluated: 2023-09-21. Review status: criteria provided, single submitter. Criteria: Invitae Variant Classification Sherloc (09022015). Collection method: clinical testing. Allele origin: germline.
Comment: This sequence change replaces valine, which is neutral and non-polar, with isoleucine, which is neutral and non-polar, at codon 2476 of the FASN protein (p.Val2476Ile). This variant is present in population databases (rs1140623, gnomAD 0.002%). This variant has not been reported in the literature in individuals affected with FASN-related conditions. ClinVar contains an entry for this variant (Variation ID: 1056571). Algorithms developed to predict the effect of missense changes on protein structure and function output the following: SIFT: "Not Available"; PolyPhen-2: "Benign"; Align-GVGD: "Not Available". The isoleucine amino acid residue is found in multiple mammalian species, which suggests that this missense change does not adversely affect protein function. In summary, the available evidence is currently insufficient to determine the role of this variant in disease. Therefore, it has been classified as a Variant of Uncertain Significance.

NM_004104.5(FASN):c.7426G>A (p.Val2476Ile)

Gene: FASN (fatty acid synthase; minus strand). Cytogenetic location: 17q25.3.
Variant type: single nucleotide variant.
Coding change: c.7426G>A on transcript NM_004104.5 (MANE Select); coding-DNA position 7426, G replaced by A.
Protein change: p.Val2476Ile; replaces valine 2476 with isoleucine.
Molecular consequence: missense variant.
Genome position (GRCh38, 1-based): chr17:82,079,253, C>T on the plus strand (G>A on the coding strand, the complement: FASN is on the minus strand). VCF-style: chr17-82079253-C-T. GRCh37 (hg19) VCF-style: chr17-80037129-C-T.
Other names: short protein forms V2476I.
Identifiers: ClinVar variation 1056571 (VCV001056571.9), dbSNP rs1140623, ClinGen allele CA295201605.